The following is an entry in ClinVar:

NM_005883.3(APC2):c.5963G>A (p.Arg1988His)

Gene: APC2 (APC regulator of Wnt signaling pathway 2; plus strand). Cytogenetic location: 19p13.3.
Variant type: single nucleotide variant.
Coding change: c.5963G>A on transcript NM_005883.3 (MANE Select); coding-DNA position 5963, G replaced by A.
Protein change: p.Arg1988His; replaces arginine 1988 with histidine.
Molecular consequence: missense variant.
Genome position (GRCh38, 1-based): chr19:1,469,264, G>A. VCF-style: chr19-1469264-G-A. GRCh37 (hg19) VCF-style: chr19-1469263-G-A.
Other names: c.5960G>A, p.Arg1987His (NM_001351273.1); short protein forms R1987H, R1988H.
Identifiers: ClinVar variation 4750709 (VCV004750709.1).

ClinVar aggregate classification (germline): Uncertain significance (1 of 4 stars; one submission).

gnomAD v4.1: 4 of 1,425,840 alleles (0.00028%); highest among the groups gnomAD compares: African/African-American, 0.003%; no homozygotes.

Submission:

Labcorp Genetics (formerly Invitae), Labcorp
Classification: Uncertain significance. Last evaluated: 2025-09-06. Review status: criteria provided, single submitter. Criteria: Invitae Variant Classification Sherloc (09022015). Collection method: clinical testing. Allele origin: germline.
Comment: This sequence change replaces arginine, which is basic and polar, with histidine, which is basic and polar, at codon 1988 of the APC2 protein (p.Arg1988His). The frequency data for this variant in the population databases is considered unreliable, as metrics indicate poor data quality at this position in the gnomAD database. This variant has not been reported in the literature in individuals affected with APC2-related conditions. Invitae Evidence Modeling of protein sequence and biophysical properties (such as structural, functional, and spatial information, amino acid conservation, physicochemical variation, residue mobility, and thermodynamic stability) indicates that this missense variant is not expected to disrupt APC2 protein function with a negative predictive value of 80%. In summary, the available evidence is currently insufficient to determine the role of this variant in disease. Therefore, it has been classified as a Variant of Uncertain Significance.